The following is an entry in ClinVar:

NC_000009.12:g.34646581A>G

Gene: GALT (galactose-1-phosphate uridylyltransferase; plus strand). Cytogenetic location: 9p13.3.
Variant type: single nucleotide variant.
Genome position: GRCh38 VCF-style: chr9-34646581-A-G. GRCh37 (hg19) VCF-style: chr9-34646578-A-G.
Identifiers: ClinVar variation 4989247 (VCV004989247.1).

ClinVar aggregate classification (germline): Likely benign (1 of 4 stars; one submission).

Conditions:
GALT-related disorder. Also called: GALT-related condition.

Submission:

PreventionGenetics, part of Exact Sciences
Classification: Likely benign for GALT-related condition. Last evaluated: 2026-04-17. Review status: criteria provided, single submitter. Criteria: ACMG Guidelines, 2015. Collection method: clinical testing. Allele origin: germline.
Comment: This variant is classified as likely benign based on ACMG/AMP sequence variant interpretation guidelines (Richards et al. 2015 PMID: 25741868, with internal and published modifications).